The following is an entry in ClinVar:

NM_002294.3(LAMP2):c.741+2T>A

Gene: LAMP2 (lysosome associated membrane protein 2; minus strand). Cytogenetic location: Xq24.
Variant type: single nucleotide variant.
Coding change: c.741+2T>A on transcript NM_002294.3 (MANE Select); the canonical splice donor site of the intron after coding-DNA position 741, T replaced by A.
Molecular consequence: splice donor variant.
Genome position (GRCh38, 1-based): chrX:120,447,839, A>T on the plus strand (T>A on the coding strand, the complement: LAMP2 is on the minus strand). VCF-style: chrX-120447839-A-T. GRCh37 (hg19) VCF-style: chrX-119581694-A-T.
Other names: c.741+2T>A (NM_001122606.1, NM_013995.2).
Identifiers: ClinVar variation 1514744 (VCV001514744.8), dbSNP rs2147282355, ClinGen allele CA414401132.

ClinVar aggregate classification (germline): Pathogenic (1 of 4 stars; one submission).

Conditions:
Danon disease. Also called: Glycogen Storage Disease Type IIb; PSEUDOGLYCOGENOSIS II; ANTOPOL DISEASE; GSD IIb; LYSOSOMAL GLYCOGEN STORAGE DISEASE WITHOUT ACID MALTASE DEFICIENCY. Identifiers: Orphanet 34587, MedGen C0878677, MONDO:0010281, OMIM 300257.

Submission:

Labcorp Genetics (formerly Invitae), Labcorp
Classification: Pathogenic for Danon disease. Last evaluated: 2022-10-28. Review status: criteria provided, single submitter. Criteria: Invitae Variant Classification Sherloc (09022015). Collection method: clinical testing. Allele origin: germline.
Comment: This variant is not present in population databases (gnomAD no frequency). For these reasons, this variant has been classified as Pathogenic. Studies have shown that disruption of this splice site results in activation of a cryptic splice site and introduces a premature termination codon (PMID: 10972294). The resulting mRNA is expected to undergo nonsense-mediated decay. ClinVar contains an entry for this variant (Variation ID: 1514744). Disruption of this splice site has been observed in individuals with Danon disease (PMID: 10972294). This sequence change affects a donor splice site in intron 5 of the LAMP2 gene. RNA analysis indicates that disruption of this splice site induces altered splicing and may result in an absent or disrupted protein product.

Literature cited by the submitters: PubMed 10972294.